The following is an entry in ClinVar:

NM_004656.4(BAP1):c.2069A>G (p.Asn690Ser)

Gene: BAP1 (BRCA1 associated deubiquitinase 1; minus strand). Cytogenetic location: 3p21.1.
Variant type: single nucleotide variant.
Coding change: c.2069A>G on transcript NM_004656.4 (MANE Select); coding-DNA position 2069, A replaced by G.
Protein change: p.Asn690Ser; replaces asparagine 690 with serine.
Molecular consequence: missense variant.
Genome position (GRCh38, 1-based): chr3:52,402,409, T>C on the plus strand (A>G on the coding strand, the complement: BAP1 is on the minus strand). VCF-style: chr3-52402409-T-C. GRCh37 (hg19) VCF-style: chr3-52436425-T-C.
Other names: short protein forms N690S.
Identifiers: ClinVar variation 847122 (VCV000847122.9), dbSNP rs1704987226, ClinGen allele CA353094530.

ClinVar aggregate classification (germline): Uncertain significance. Review status: criteria provided, multiple submitters, no conflicts (2 of 4 stars). 2 submissions from 2 submitters: Uncertain significance (2). Last evaluated 2022-04-28.

Conditions:
Hereditary cancer-predisposing syndrome. Also called: Tumor predisposition; Hereditary neoplastic syndrome; Neoplastic Syndromes, Hereditary; Hereditary Cancer Syndrome. Identifiers: Orphanet 140162, MedGen C0027672, MeSH D009386, MONDO:0015356.
BAP1-related tumor predisposition syndrome (TPDS1). Also called: Tumor susceptibility linked to germline BAP1 mutations; BAP1 tumor predisposition syndrome; TUMOR PREDISPOSITION SYNDROME 1; COMMON Syndrome. Identifiers: Orphanet 289539, MedGen C3280492, MONDO:0013692, OMIM 614327.

Submissions (2):

Labcorp Genetics (formerly Invitae), Labcorp
Classification: Uncertain significance for BAP1-related tumor predisposition syndrome. Last evaluated: 2022-04-28. Review status: criteria provided, single submitter. Criteria: Invitae Variant Classification Sherloc (09022015). Collection method: clinical testing. Allele origin: germline.
Comment: ClinVar contains an entry for this variant (Variation ID: 847122). In summary, the available evidence is currently insufficient to determine the role of this variant in disease. Therefore, it has been classified as a Variant of Uncertain Significance. Algorithms developed to predict the effect of missense changes on protein structure and function (SIFT, PolyPhen-2, Align-GVGD) all suggest that this variant is likely to be tolerated. This variant has not been reported in the literature in individuals affected with BAP1-related conditions. This variant is not present in population databases (gnomAD no frequency). This sequence change replaces asparagine, which is neutral and polar, with serine, which is neutral and polar, at codon 690 of the BAP1 protein (p.Asn690Ser).

Ambry Genetics
Classification: Uncertain significance for Hereditary cancer-predisposing syndrome. Last evaluated: 2020-03-19. Review status: criteria provided, single submitter. Criteria: Ambry Variant Classification Scheme 2023. Collection method: clinical testing. Allele origin: germline.
Comment: The p.N690S variant (also known as c.2069A>G), located in coding exon 17 of the BAP1 gene, results from an A to G substitution at nucleotide position 2069. The asparagine at codon 690 is replaced by serine, an amino acid with highly similar properties. This amino acid position is not well conserved in available vertebrate species, and serine is the reference amino acid in other vertebrate species. In addition, this alteration is predicted to be tolerated by in silico analysis. Since supporting evidence is limited at this time, the clinical significance of this alteration remains unclear.